The following is an entry in ClinVar:

ClinVar aggregate classification (germline): Pathogenic/Likely pathogenic. Review status: criteria provided, multiple submitters, no conflicts (2 of 4 stars). 3 submissions from 3 submitters: Pathogenic (2); Likely pathogenic (1). Last evaluated 2023-10-04.

Conditions:
Intellectual disability, X-linked 102 (MRXSSB). Also called: Intellectual developmental disorder, X-linked syndromic, Snijders Blok type. Identifiers: Orphanet 457260, MedGen C5393299, MONDO:0010497, OMIM 300958.

Submissions (3):

GeneDx
Classification: Pathogenic. Last evaluated: 2023-10-04. Review status: criteria provided, single submitter. Criteria: GeneDx Variant Classification Process June 2021. Collection method: clinical testing. Allele origin: germline. Affected: yes.
Comment: Not observed at significant frequency in large population cohorts (gnomAD); Nonsense variant predicted to result in protein truncation or nonsense mediated decay in a gene for which loss of function is a known mechanism of disease; This variant is associated with the following publications: (PMID: 36299587, 27159028)

Center for Human Genetics, University of Leuven
Classification: Likely pathogenic for Intellectual disability, X-linked 102. Last evaluated: 2015-01-01. Review status: criteria provided, single submitter. Criteria: Fieremans et al. (Hum Mutat 2016). Collection method: literature only. Allele origin: de novo. Inheritance: Sporadic. Affected: yes. Observed: 1 variant allele.

Institute for Genomic Statistics and Bioinformatics, University Hospital Bonn
Classification: Pathogenic for Intellectual disability, X-linked 102. Review status: criteria provided, single submitter. Criteria: ACMG Guidelines, 2015. Collection method: clinical testing. Allele origin: unknown. Affected: yes. Observed: 1 variant allele.

NM_001356.5(DDX3X):c.577G>T (p.Gly193Ter)

Gene: DDX3X (DEAD-box helicase 3 X-linked; plus strand). Cytogenetic location: Xp11.4.
Variant type: single nucleotide variant.
Coding change: c.577G>T on transcript NM_001356.5 (MANE Select); coding-DNA position 577, G replaced by T.
Protein change: p.Gly193Ter; replaces glycine 193 with a stop codon.
Molecular consequence: nonsense. On other transcripts: non-coding transcript variant (1).
Genome position (GRCh38, 1-based): chrX:41,343,249, G>T. VCF-style: chrX-41343249-G-T. GRCh37 (hg19) VCF-style: chrX-41202502-G-T.
Other names: c.577G>T, p.Gly193Ter (NM_001193416.3); c.529G>T, p.Gly177Ter (NM_001193417.3); c.19G>T, p.Gly7Ter (NM_001363819.1); c.577G>T (NM_001193416.1); short protein forms G177*, G193*, G7*.
Identifiers: ClinVar variation 225894 (VCV000225894.4), dbSNP rs875989803, ClinGen allele CA10576137.